The following is an entry in ClinVar:

ClinVar aggregate classification (germline): Uncertain significance (1 of 4 stars; one submission).

Allele frequency attached by ClinVar (database versions not stated): TOPMed below 0.00001; gnomAD 0.00001.
gnomAD v4.1: 1 of 1,613,802 alleles (0.000062%); highest among the groups gnomAD compares: Admixed American, 0.0017%; no homozygotes.

Submission:

Labcorp Genetics (formerly Invitae), Labcorp
Classification: Uncertain significance. Last evaluated: 2022-04-23. Review status: criteria provided, single submitter. Criteria: Invitae Variant Classification Sherloc (09022015). Collection method: clinical testing. Allele origin: germline.
Comment: This variant has not been reported in the literature in individuals affected with SPEG-related conditions. This sequence change replaces proline, which is neutral and non-polar, with alanine, which is neutral and non-polar, at codon 2869 of the SPEG protein (p.Pro2869Ala). This variant is not present in population databases (gnomAD no frequency). Algorithms developed to predict the effect of missense changes on protein structure and function (SIFT, PolyPhen-2, Align-GVGD) all suggest that this variant is likely to be tolerated. In summary, the available evidence is currently insufficient to determine the role of this variant in disease. Therefore, it has been classified as a Variant of Uncertain Significance.

NM_005876.5(SPEG):c.8605C>G (p.Pro2869Ala)

Genes: ASIC4-AS1 (ASIC4 antisense RNA 1; minus strand), SPEG (striated muscle enriched protein kinase; plus strand). Cytogenetic location: 2q35.
Variant type: single nucleotide variant.
Coding change: c.8605C>G on transcript NM_005876.5 (MANE Select); coding-DNA position 8605, C replaced by G.
Protein change: p.Pro2869Ala; replaces proline 2869 with alanine.
Molecular consequence: missense variant.
Genome position (GRCh38, 1-based): chr2:219,489,623, C>G. VCF-style: chr2-219489623-C-G. GRCh37 (hg19) VCF-style: chr2-220354345-C-G.
Other names: short protein forms P2869A.
Identifiers: ClinVar variation 2129737 (VCV002129737.4), dbSNP rs759074844, ClinGen allele CA350709914.